The following is an entry in ClinVar:

ClinVar aggregate classification (germline): Uncertain significance. Review status: criteria provided, multiple submitters, no conflicts (2 of 4 stars). 3 submissions from 3 submitters: Uncertain significance (3). Last evaluated 2024-11-04.

Conditions:
GATA6-related disorder. Also called: GATA6-related condition.
Atrioventricular septal defect 5 (AVSD5). Identifiers: MedGen C3280939, MONDO:0013769, OMIM 614474.

Allele frequency attached by ClinVar (database versions not stated): gnomAD exomes below 0.00001; gnomAD 0.00001; TOPMed 0.00001.
gnomAD v4.1: 10 of 1,614,012 alleles (0.00062%); highest among the groups gnomAD compares: Non-Finnish European, 0.00076%; no homozygotes.

Submissions (3):

PreventionGenetics, part of Exact Sciences
Classification: Uncertain significance for GATA6-related condition. Last evaluated: 2024-11-04. Review status: criteria provided, single submitter. Criteria: ACMG Guidelines, 2015. Collection method: clinical testing. Allele origin: germline.
Comment: The GATA6 c.1559C>T variant is predicted to result in the amino acid substitution p.Ser520Phe. To our knowledge, this variant has not been reported in the literature. This variant is reported in 0.00088% of alleles in individuals of European (Non-Finnish) descent in gnomAD. At this time, the clinical significance of this variant is uncertain due to the absence of conclusive functional and genetic evidence.

Labcorp Genetics (formerly Invitae), Labcorp
Classification: Uncertain significance for Atrioventricular septal defect 5. Last evaluated: 2024-10-02. Review status: criteria provided, single submitter. Criteria: Invitae Variant Classification Sherloc (09022015). Collection method: clinical testing. Allele origin: germline.
Comment: This sequence change replaces serine, which is neutral and polar, with phenylalanine, which is neutral and non-polar, at codon 520 of the GATA6 protein (p.Ser520Phe). This variant is present in population databases (no rsID available, gnomAD 0.0009%). This variant has not been reported in the literature in individuals affected with GATA6-related conditions. ClinVar contains an entry for this variant (Variation ID: 2145347). Invitae Evidence Modeling of protein sequence and biophysical properties (such as structural, functional, and spatial information, amino acid conservation, physicochemical variation, residue mobility, and thermodynamic stability) indicates that this missense variant is expected to disrupt GATA6 protein function with a positive predictive value of 80%. In summary, the available evidence is currently insufficient to determine the role of this variant in disease. Therefore, it has been classified as a Variant of Uncertain Significance.

GeneDx
Classification: Uncertain significance. Last evaluated: 2024-08-06. Review status: criteria provided, single submitter. Criteria: GeneDx Variant Classification Process June 2021. Collection method: clinical testing. Allele origin: germline. Affected: yes.
Comment: Not observed at significant frequency in large population cohorts (gnomAD); In silico analysis supports that this missense variant has a deleterious effect on protein structure/function; Has not been previously published as pathogenic or benign to our knowledge

NM_005257.6(GATA6):c.1559C>T (p.Ser520Phe)

Gene: GATA6 (GATA binding protein 6; plus strand). Cytogenetic location: 18q11.2.
Variant type: single nucleotide variant.
Coding change: c.1559C>T on transcript NM_005257.6 (MANE Select); coding-DNA position 1559, C replaced by T.
Protein change: p.Ser520Phe; replaces serine 520 with phenylalanine.
Molecular consequence: missense variant.
Genome position (GRCh38, 1-based): chr18:22,182,982, C>T. VCF-style: chr18-22182982-C-T. GRCh37 (hg19) VCF-style: chr18-19762943-C-T.
Other names: c.1559C>T (NM_005257.4, NM_005257.5); short protein forms S520F.
Identifiers: ClinVar variation 2145347 (VCV002145347.6), dbSNP rs978211774, ClinGen allele CA297155070.